The following is an entry in ClinVar:

ClinVar aggregate classification (germline): Uncertain significance. Review status: criteria provided, multiple submitters, no conflicts (2 of 4 stars). 2 submissions from 2 submitters: Uncertain significance (2). Last evaluated 2025-03-30.

Conditions:
Inborn genetic diseases. Identifiers: MedGen C0950123, MeSH D030342.

gnomAD v4.1: 15 of 1,609,364 alleles (0.00093%); highest among the groups gnomAD compares: Non-Finnish European, 0.0012%; no homozygotes.

Submissions (2):

Ambry Genetics
Classification: Uncertain significance for Inborn genetic diseases. Last evaluated: 2025-03-30. Review status: criteria provided, single submitter. Criteria: Ambry Variant Classification Scheme 2023. Collection method: clinical testing. Allele origin: germline.

GeneDx
Classification: Uncertain significance. Last evaluated: 2024-03-27. Review status: criteria provided, single submitter. Criteria: GeneDx Variant Classification Process June 2021. Collection method: clinical testing. Allele origin: germline. Affected: yes.
Comment: In silico analysis supports that this missense variant does not alter protein structure/function; Has not been previously published as pathogenic or benign to our knowledge; Reported using an alternate transcript of the gene

NM_198129.4(LAMA3):c.2044C>G (p.Gln682Glu)

Gene: LAMA3 (laminin subunit alpha 3; plus strand). Cytogenetic location: 18q11.2.
Variant type: single nucleotide variant.
Coding change: c.2044C>G on transcript NM_198129.4 (MANE Select); coding-DNA position 2044, C replaced by G.
Protein change: p.Gln682Glu; replaces glutamine 682 with glutamic acid.
Molecular consequence: missense variant.
Genome position (GRCh38, 1-based): chr18:23,815,570, C>G. VCF-style: chr18-23815570-C-G. GRCh37 (hg19) VCF-style: chr18-21395534-C-G.
Other names: c.2044C>G, p.Gln682Glu (NM_001127717.4); c.2044C>G (NM_198129.1); short protein forms Q682E.
Identifiers: ClinVar variation 3371374 (VCV003371374.2).